The following is an entry in ClinVar:

NM_001083962.2(TCF4):c.1147-3C>G

Gene: TCF4 (transcription factor 4; minus strand). Cytogenetic location: 18q21.2.
Variant type: single nucleotide variant.
Coding change: c.1147-3C>G on transcript NM_001083962.2 (MANE Select); 3 bases into the intron before coding-DNA position 1147, C replaced by G.
Molecular consequence: intron variant.
Genome position (GRCh38, 1-based): chr18:55,254,703, G>C on the plus strand (C>G on the coding strand, the complement: TCF4 is on the minus strand). VCF-style: chr18-55254703-G-C. GRCh37 (hg19) VCF-style: chr18-52921934-G-C.
Other names: c.1453-3C>G (NM_001243226.3); c.1072-3C>G (NM_001369584.1, NM_001369576.1, NM_001369577.1 and 6 more transcripts); c.1075-3C>G (NM_001369582.1, NM_001243227.2, NM_001369583.1 and 5 more transcripts); c.1078-3C>G (NM_001369586.1); c.1147-3C>G (NM_001369571.1, NM_001369567.1, NM_001369572.1 and 2 more transcripts); c.1165-3C>G (NM_001243228.2); c.1138-3C>G (NM_001243230.2); c.1144-3C>G (NM_001369569.1, NM_001369573.1, NM_001369570.1 and 2 more transcripts); and 6 more.
Identifiers: ClinVar variation 917754 (VCV000917754.10), dbSNP rs2056333687, ClinGen allele CA1139666098.

ClinVar aggregate classification (germline): Uncertain significance. Review status: criteria provided, multiple submitters, no conflicts (2 of 4 stars). 2 submissions from 2 submitters: Uncertain significance (2). Last evaluated 2020-04-06.

Conditions:
Pitt-Hopkins syndrome (PTHS). Also called: ENCEPHALOPATHY, SEVERE EPILEPTIC, WITH AUTONOMIC DYSFUNCTION; MENTAL RETARDATION, SYNDROMAL, WITH INTERMITTENT HYPERVENTILATION. Identifiers: Orphanet 2896, MedGen C1970431, MONDO:0012589, OMIM 610954.

Submissions (2):

Women's Health and Genetics/Laboratory Corporation of America, LabCorp
Classification: Uncertain significance. Last evaluated: 2020-04-06. Review status: criteria provided, single submitter. Criteria: LabCorp Variant Classification Summary - May 2015. Collection method: clinical testing. Allele origin: germline.
Comment: Variant summary: TCF4 c.1147-3C>G alters a conserved nucleotide located close to a canonical splice site and therefore could affect mRNA splicing, leading to a significantly altered protein sequence. Several computational tools predict a significant impact on normal splicing: three predict the variant abolishes a 3' acceptor site, and two predict the variant creates a 3' acceptor site 2 nucleotides upstream from the original, canonical splice site; that would result in a frameshift at the protein level. However, these predictions have yet to be confirmed by functional studies. The variant was absent in 226208 control chromosomes (gnomAD). The available data on variant occurrences in the general population are insufficient to allow any conclusion about variant significance. To our knowledge, no occurrence of c.1147-3C>G in individuals affected with Pitt-Hopkins syndrome and no experimental evidence demonstrating its impact on protein function have been reported. No clinical diagnostic laboratories have submitted clinical-significance assessments for this variant to ClinVar after 2014. Based on the evidence outlined above, the variant was classified as uncertain significance.

Labcorp Genetics (formerly Invitae), Labcorp
Classification: Uncertain significance for Pitt-Hopkins syndrome. Last evaluated: 2020-01-21. Review status: criteria provided, single submitter. Criteria: Invitae Variant Classification Sherloc (09022015). Collection method: clinical testing. Allele origin: germline.
Comment: This variant is not present in population databases (ExAC no frequency). This sequence change falls in intron 14 of the TCF4 gene. It does not directly change the encoded amino acid sequence of the TCF4 protein, but it affects a nucleotide within the consensus splice site of the intron. This variant has not been reported in the literature in individuals with TCF4-related conditions. In summary, the available evidence is currently insufficient to determine the role of this variant in disease. Therefore, it has been classified as a Variant of Uncertain Significance. Nucleotide substitutions within the consensus splice site are a relatively common cause of aberrant splicing (PMID: 17576681, 9536098). Algorithms developed to predict the effect of sequence changes on RNA splicing suggest that this variant may disrupt the consensus splice site, but this prediction has not been confirmed by published transcriptional studies.

Literature cited by the submitters: PubMed 17576681 (cited by Labcorp Genetics (formerly Invitae), Labcorp); PubMed 9536098 (cited by Labcorp Genetics (formerly Invitae), Labcorp).